The following is an entry in ClinVar:

ClinVar aggregate classification (germline): Uncertain significance (1 of 4 stars; one submission).

Submission:

GeneDx
Classification: Uncertain significance. Last evaluated: 2026-04-14. Review status: criteria provided, single submitter. Criteria: GeneDx Variant Classification Process June 2021. Collection method: clinical testing. Allele origin: germline.
Comment: Not observed at significant frequency in large population cohorts (gnomAD); In silico analysis supports that this missense variant has a deleterious effect on protein structure/function; Has not been previously published as pathogenic or benign to our knowledge

NM_000489.6(ATRX):c.4142A>G (p.Asp1381Gly)

Gene: ATRX (ATRX chromatin remodeler; minus strand). Cytogenetic location: Xq21.1.
Variant type: single nucleotide variant.
Coding change: c.4142A>G on transcript NM_000489.6 (MANE Select); coding-DNA position 4142, A replaced by G.
Protein change: p.Asp1381Gly; replaces aspartic acid 1381 with glycine.
Molecular consequence: missense variant.
Genome position (GRCh38, 1-based): chrX:77,656,632, T>C on the plus strand (A>G on the coding strand, the complement: ATRX is on the minus strand). VCF-style: chrX-77656632-T-C. GRCh37 (hg19) VCF-style: chrX-76912122-T-C.
Other names: c.4028A>G, p.Asp1343Gly (NM_138270.5); short protein forms D1343G, D1381G.
Identifiers: ClinVar variation 5037130 (VCV005037130.1).
Genomic context (GRCh38, chrX:77,656,632, plus strand): 5'-CGCTGTTCATCTTCGGATTCACTAACTTCTTCACTAACTCCTGATTCCTGAAAATCAGAA[T>C]CTTCTGAATCTTCACTGCTCACTTGAATTTTAAAAAATACATAAAATTATTAATTATTTT-3'
Protein context (NP_000480.3, residues 1371-1391): RRKVSSEDSE[Asp1381Gly]SDFQESGVSE